The following is an entry in ClinVar:

ClinVar aggregate classification (germline): Benign. Review status: criteria provided, multiple submitters, no conflicts (2 of 4 stars). 2 submissions from 2 submitters: Benign (2). Last evaluated 2018-01-13.

Conditions:
Progressive myoclonic epilepsy. Also called: Progressive myoclonus epilepsy; Familial progressive myoclonic epilepsy; Myoclonus epilepsy; Myoclonic Epilepsies, Progressive. Identifiers: Orphanet 308, Orphanet 98261, MedGen C0751778, MONDO:0020074.

Allele frequency attached by ClinVar (database versions not stated): 1000 Genomes Project 30x 0.09275; 1000 Genomes Project 0.09485; TOPMed 0.13950; gnomAD 0.13972 and 0.14074; gnomAD exomes 0.18750.
gnomAD v4.1: 21,385 of 152,230 alleles (14%); highest among the groups gnomAD compares: Middle Eastern, 26%; 1,905 homozygotes.

Submissions (2):

Illumina Laboratory Services, Illumina
Classification: Benign for Progressive myoclonic epilepsy. Last evaluated: 2018-01-13. Review status: criteria provided, single submitter. Criteria: ICSL Variant Classification Criteria 13 December 2019. Collection method: clinical testing. Allele origin: germline.
Comment: This variant was observed in the ICSL laboratory as part of a predisposition screen in an ostensibly healthy population. It had not been previously curated by ICSL or reported in the Human Gene Mutation Database (HGMD: prior to June 1st, 2018), and was therefore a candidate for classification through an automated scoring system. Utilizing variant allele frequency, disease prevalence and penetrance estimates, and inheritance mode, an automated score was calculated to assess if this variant is too frequent to cause the disease. Based on the score and internal cut-off values, a variant classified as benign is not then subjected to further curation. The score for this variant resulted in a classification of benign for this disease.

Breakthrough Genomics
Classification: Benign. Review status: criteria provided, single submitter. Criteria: ACMG Guidelines, 2015. Collection method: not provided. Allele origin: germline. Inheritance: Unknown mechanism. Affected: yes.

NM_198859.4(PRICKLE2):c.*2724C>A

Genes: PRICKLE2 (prickle planar cell polarity protein 2; minus strand), PRICKLE2-AS1 (PRICKLE2 antisense RNA 1; plus strand). Cytogenetic location: 3p14.1.
Variant type: single nucleotide variant.
Coding change: c.*2724C>A on transcript NM_198859.4 (MANE Select); 2724 bases downstream of the stop codon, C replaced by A.
Molecular consequence: 3 prime UTR variant.
Genome position (GRCh38, 1-based): chr3:64,096,327, G>T on the plus strand (C>A on the coding strand, the complement: PRICKLE2 is on the minus strand). VCF-style: chr3-64096327-G-T. GRCh37 (hg19) VCF-style: chr3-64082003-G-T.
Other names: c.*2724C>A (NM_001370528.1).
Identifiers: ClinVar variation 346439 (VCV000346439.6), dbSNP rs12494731, ClinGen allele CA10617272.